The following is an entry in ClinVar:

NC_000017.10:g.(?_1651872)_(1675389_?)del

Genes: SERPINF1 (serpin family F member 1; plus strand), SERPINF2 (serpin family F member 2; plus strand). Cytogenetic location: 17p13.3.
Variant type: Deletion.
Identifiers: ClinVar variation 2424501 (VCV002424501.4).

ClinVar aggregate classification (germline): Pathogenic (1 of 4 stars; one submission).

Submission:

Labcorp Genetics (formerly Invitae), Labcorp
Classification: Pathogenic. Last evaluated: 2022-03-10. Review status: criteria provided, single submitter. Criteria: Invitae Variant Classification Sherloc (09022015). Collection method: clinical testing. Allele origin: germline.
Comment: For these reasons, this variant has been classified as Pathogenic. This variant has not been reported in the literature in individuals affected with SERPINF1-related conditions. This variant is a gross deletion of the genomic region encompassing exon(s) 1-5 of the SERPINF1 gene, which includes the initiator codon. This deletion extends beyond the assayed region for this gene and therefore may encompass additional genes. It is expected to result in an absent or disrupted protein product. Loss-of-function variants in SERPINF1 are known to be pathogenic (PMID: 21353196, 21826736).

Literature cited by the submitters: PubMed 21353196; PubMed 21826736.